The following is an entry in ClinVar:

NM_000051.4(ATM):c.2882del (p.Leu961fs)

Gene: ATM (ATM serine/threonine kinase; plus strand). Cytogenetic location: 11q22.3.
Variant type: Deletion.
Coding change: c.2882del on transcript NM_000051.4 (MANE Select); coding-DNA position 2882, one base deleted (T; older notation c.2882delT).
Protein change: p.Leu961fs; shifts the reading frame from leucine 961.
Molecular consequence: frameshift variant.
Genome position (GRCh38, 1-based): chr11:108,271,107, T deleted; the last of 2 consecutive T bases (chr11:108,271,106-108,271,107); deleting either gives the same sequence. VCF-style (leftmost placement, unchanged base first): chr11-108271105-CT-C. GRCh37 (hg19) VCF-style: chr11-108141832-CT-C.
Other names: c.2882del, p.Leu961fs (NM_001351834.2); c.2882delT (NM_000051.3); short protein forms L961fs.
Identifiers: ClinVar variation 141511 (VCV000141511.3), dbSNP rs587781805, ClinGen allele CA165659.

ClinVar aggregate classification (germline): Pathogenic (1 of 4 stars; one submission).

Conditions:
Hereditary cancer-predisposing syndrome. Also called: Neoplastic Syndromes, Hereditary; Tumor predisposition; Hereditary Cancer Syndrome; Hereditary neoplastic syndrome. Identifiers: Orphanet 140162, MedGen C0027672, MeSH D009386, MONDO:0015356.

Submission:

Ambry Genetics
Classification: Pathogenic for Hereditary cancer-predisposing syndrome. Last evaluated: 2014-01-30. Review status: criteria provided, single submitter. Criteria: Ambry Autosomal Dominant and X-Linked criteria (10/2015). Collection method: clinical testing. Allele origin: germline. Observed: 1 variant allele.
Comment: The c.2882delT pathogenic mutation, located in coding exon 18 of the ATM gene, results from a deletion of one nucleotide at position 2882, causing a translational frameshift with a predicted alternate stop codon. Since frameshifts are typically deleterious in nature, this alteration is interpreted as a disease-causing mutation (ACMG Recommendations for Standards for Interpretation and Reporting of Sequence Variations. Revision 2007. Genet Med. 2008;10:294).